The following is an entry in ClinVar:

ClinVar aggregate classification (germline): Benign (1 of 4 stars; one submission).

Allele frequency attached by ClinVar (database versions not stated): gnomAD 0.04517 and 0.04525; TOPMed 0.05573; 1000 Genomes Project 0.07887; 1000 Genomes Project 30x 0.07995.
gnomAD v4.1: 6,863 of 152,280 alleles (4.5%); highest among the groups gnomAD compares: African/African-American, 11%; 365 homozygotes.

Submission:

GeneDx
Classification: Benign. Last evaluated: 2018-06-16. Review status: criteria provided, single submitter. Criteria: GeneDx Variant Classification (06012015). Collection method: clinical testing. Allele origin: germline. Affected: yes.
Comment: This variant is considered likely benign or benign based on one or more of the following criteria: it is a conservative change, it occurs at a poorly conserved position in the protein, it is predicted to be benign by multiple in silico algorithms, and/or has population frequency not consistent with disease.

NM_000090.4(COL3A1):c.79+204T>C

Gene: COL3A1 (collagen type III alpha 1 chain; plus strand). Cytogenetic location: 2q32.2.
Variant type: single nucleotide variant.
Coding change: c.79+204T>C on transcript NM_000090.4 (MANE Select); 204 bases into the intron after coding-DNA position 79, T replaced by C.
Molecular consequence: intron variant.
Genome position (GRCh38, 1-based): chr2:188,974,772, T>C. VCF-style: chr2-188974772-T-C. GRCh37 (hg19) VCF-style: chr2-189839498-T-C.
Identifiers: ClinVar variation 675437 (VCV000675437.1), dbSNP rs41265571, ClinGen allele CA62577247.
Genomic context (GRCh38, chr2:188,974,772, plus strand): 5'-ATGGCTGTGCTTTTTACATTACTTGAAAAATAATCGCGTTATGTGTGTTTTTAAGAGTTC[T>C]GTGGTTAAGATAAGATGTTCTTGTACTAACTTGTTTTCATGTTAAAGGCACTGGAAACTT-3'